The following is an entry in ClinVar:

NM_004304.5(ALK):c.4844T>C (p.Met1615Thr)

Gene: ALK (ALK receptor tyrosine kinase; minus strand). Cytogenetic location: 2p23.2.
Variant type: single nucleotide variant.
Coding change: c.4844T>C on transcript NM_004304.5 (MANE Select); coding-DNA position 4844, T replaced by C.
Protein change: p.Met1615Thr; replaces methionine 1615 with threonine.
Molecular consequence: missense variant.
Genome position (GRCh38, 1-based): chr2:29,193,243, A>G on the plus strand (T>C on the coding strand, the complement: ALK is on the minus strand). VCF-style: chr2-29193243-A-G. GRCh37 (hg19) VCF-style: chr2-29416109-A-G.
Other names: c.1640T>C, p.Met547Thr (NM_001353765.2); c.4844T>C (NM_004304.4); short protein forms M1615T, M547T.
Identifiers: ClinVar variation 1007264 (VCV001007264.9), dbSNP rs1668918393, ClinGen allele CA346460029.

ClinVar aggregate classification (germline): Uncertain significance. Review status: criteria provided, multiple submitters, no conflicts (2 of 4 stars). 2 submissions from 2 submitters: Uncertain significance (2). Last evaluated 2025-06-10.

Conditions:
Neuroblastoma, susceptibility to, 3. Also called: ALK-Related Neuroblastic Tumor Susceptibility. Identifiers: Orphanet 635, MedGen C2751681, MONDO:0013083, OMIM 613014.
Hereditary cancer-predisposing syndrome. Also called: Hereditary neoplastic syndrome; Neoplastic Syndromes, Hereditary; Tumor predisposition; Hereditary Cancer Syndrome. Identifiers: Orphanet 140162, MedGen C0027672, MeSH D009386, MONDO:0015356.

Submissions (2):

Labcorp Genetics (formerly Invitae), Labcorp
Classification: Uncertain significance for Neuroblastoma, susceptibility to, 3. Last evaluated: 2025-06-10. Review status: criteria provided, single submitter. Criteria: Invitae Variant Classification Sherloc (09022015). Collection method: clinical testing. Allele origin: germline.
Comment: This sequence change replaces methionine, which is neutral and non-polar, with threonine, which is neutral and polar, at codon 1615 of the ALK protein (p.Met1615Thr). This variant is not present in population databases (gnomAD no frequency). This variant has not been reported in the literature in individuals affected with ALK-related conditions. ClinVar contains an entry for this variant (Variation ID: 1007264). An algorithm developed to predict the effect of missense changes on protein structure and function outputs the following: PolyPhen-2: "Benign". The threonine amino acid residue is found in multiple mammalian species, which suggests that this missense change does not adversely affect protein function. In summary, the available evidence is currently insufficient to determine the role of this variant in disease. Therefore, it has been classified as a Variant of Uncertain Significance.

Ambry Genetics
Classification: Uncertain significance for Hereditary cancer-predisposing syndrome. Last evaluated: 2024-09-30. Review status: criteria provided, single submitter. Criteria: Ambry Variant Classification Scheme 2023. Collection method: clinical testing. Allele origin: germline.
Comment: The p.M1615T variant (also known as c.4844T>C), located in coding exon 29 of the ALK gene, results from a T to C substitution at nucleotide position 4844. The methionine at codon 1615 is replaced by threonine, an amino acid with similar properties. This amino acid position is conserved. In addition, this alteration is predicted to be tolerated by in silico analysis. Based on the available evidence, the clinical significance of this variant remains unclear.